The following is an entry in ClinVar:

NM_021116.4(ADCY1):c.1789C>T (p.Arg597Trp)

Gene: ADCY1 (adenylate cyclase 1; plus strand). Cytogenetic location: 7p12.3.
Variant type: single nucleotide variant.
Coding change: c.1789C>T on transcript NM_021116.4 (MANE Select); coding-DNA position 1789, C replaced by T.
Protein change: p.Arg597Trp; replaces arginine 597 with tryptophan.
Molecular consequence: missense variant.
Genome position (GRCh38, 1-based): chr7:45,678,052, C>T. VCF-style: chr7-45678052-C-T. GRCh37 (hg19) VCF-style: chr7-45717651-C-T.
Other names: short protein forms R597W.
Identifiers: ClinVar variation 1272846 (VCV001272846.35), dbSNP rs142005939, ClinGen allele CA4249028.

ClinVar aggregate classification (germline): Benign/Likely benign. Review status: criteria provided, multiple submitters, no conflicts (2 of 4 stars). 6 submissions from 6 submitters: Benign (2); Likely benign (3). 1 of the submissions does not count toward it. Last evaluated 2025-08-21.

Conditions:
Autosomal recessive nonsyndromic hearing loss 44. Also called: Deafness, autosomal recessive 44. Identifiers: Orphanet 90636, MedGen C1857809, MONDO:0012421, OMIM 610154.
ADCY1-related disorder. Also called: ADCY1-related condition.

Allele frequency attached by ClinVar (database versions not stated): 1000 Genomes Project 0.00180; 1000 Genomes Project 30x 0.00187.
gnomAD v4.1: 393 of 1,614,018 alleles (0.024%); highest among the groups gnomAD compares: East Asian, 0.79%; 3 homozygotes.

Submissions (6):

Labcorp Genetics (formerly Invitae), Labcorp
Classification: Benign. Last evaluated: 2025-08-21. Review status: criteria provided, single submitter. Criteria: Invitae Variant Classification Sherloc (09022015). Collection method: clinical testing. Allele origin: germline.

Blueprint Genetics
Classification: Likely benign. Last evaluated: 2024-08-30. Review status: criteria provided, single submitter. Criteria: ACMG Guidelines, 2015. Collection method: clinical testing. Allele origin: germline.

CeGaT Center for Human Genetics Tuebingen
Classification: Likely benign. Last evaluated: 2022-10-01. Review status: criteria provided, single submitter. Criteria: CeGaT Center For Human Genetics Tuebingen Variant Classification Criteria Version 2. Collection method: clinical testing. Allele origin: germline. Affected: yes. Observed: 1 variant allele.
Comment: ADCY1: BS2

Fulgent Genetics
Classification: Likely benign for Autosomal recessive nonsyndromic hearing loss 44. Last evaluated: 2021-07-19. Review status: criteria provided, single submitter. Criteria: ACMG Guidelines, 2015. Collection method: clinical testing. Allele origin: unknown.

GeneDx
Classification: Benign. Last evaluated: 2019-10-30. Review status: criteria provided, single submitter. Criteria: GeneDx Variant Classification Process June 2021. Collection method: clinical testing. Allele origin: germline. Affected: yes.

PreventionGenetics, part of Exact Sciences
Classification: Benign for ADCY1-related condition. Last evaluated: 2019-07-01. Review status: no assertion criteria provided. Collection method: clinical testing. Allele origin: germline. Not counted in ClinVar's aggregate classification.
Comment: This variant is classified as benign based on ACMG/AMP sequence variant interpretation guidelines (Richards et al. 2015 PMID: 25741868, with internal and published modifications).